The following is an entry in ClinVar:

ClinVar aggregate classification (germline): Likely benign. Review status: criteria provided, multiple submitters, no conflicts (2 of 4 stars). 2 submissions from 2 submitters: Likely benign (2). Last evaluated 2023-08-01.

Allele frequency attached by ClinVar (database versions not stated): gnomAD 0.00004.
gnomAD v4.1: 62 of 1,586,176 alleles (0.0039%); highest among the groups gnomAD compares: African/African-American, 0.0055%; 8 homozygotes.

Submissions (2):

CeGaT Center for Human Genetics Tuebingen
Classification: Likely benign. Last evaluated: 2023-08-01. Review status: criteria provided, single submitter. Criteria: CeGaT Center For Human Genetics Tuebingen Variant Classification Criteria Version 2. Collection method: clinical testing. Allele origin: germline. Affected: yes. Observed: 1 variant allele.
Comment: AHNAK2: BP4

Ambry Genetics
Classification: Likely benign. Last evaluated: 2021-12-02. Review status: criteria provided, single submitter. Criteria: Ambry Variant Classification Scheme 2023. Collection method: clinical testing. Allele origin: germline.

NM_138420.4(AHNAK2):c.5686G>T (p.Val1896Leu)

Gene: AHNAK2 (AHNAK nucleoprotein 2; minus strand). Cytogenetic location: 14q32.33.
Variant type: single nucleotide variant.
Coding change: c.5686G>T on transcript NM_138420.4 (MANE Select); coding-DNA position 5686, G replaced by T.
Protein change: p.Val1896Leu; replaces valine 1896 with leucine.
Molecular consequence: missense variant.
Genome position (GRCh38, 1-based): chr14:104,949,765, C>A on the plus strand (G>T on the coding strand, the complement: AHNAK2 is on the minus strand). VCF-style: chr14-104949765-C-A. GRCh37 (hg19) VCF-style: chr14-105416102-C-A.
Other names: c.5386G>T, p.Val1796Leu (NM_001350929.2); short protein forms V1796L, V1896L.
Identifiers: ClinVar variation 2368215 (VCV002368215.26), dbSNP rs780363620, ClinGen allele CA7381569.